The following is an entry in ClinVar:

NM_003500.4(ACOX2):c.317C>T (p.Ala106Val)

Gene: ACOX2 (acyl-CoA oxidase 2; minus strand). Cytogenetic location: 3p14.3.
Variant type: single nucleotide variant.
Coding change: c.317C>T on transcript NM_003500.4 (MANE Select); coding-DNA position 317, C replaced by T.
Protein change: p.Ala106Val; replaces alanine 106 with valine.
Molecular consequence: missense variant.
Genome position (GRCh38, 1-based): chr3:58,534,366, G>A on the plus strand (C>T on the coding strand, the complement: ACOX2 is on the minus strand). VCF-style: chr3-58534366-G-A. GRCh37 (hg19) VCF-style: chr3-58520093-G-A.
Other names: short protein forms A106V.
Identifiers: ClinVar variation 2060023 (VCV002060023.5), dbSNP rs151304949, ClinGen allele CA75518176.

ClinVar aggregate classification (germline): Uncertain significance. Review status: criteria provided, multiple submitters, no conflicts (2 of 4 stars). 2 submissions from 2 submitters: Uncertain significance (2). Last evaluated 2024-05-06.

Allele frequency attached by ClinVar (database versions not stated): TOPMed 0.00002; gnomAD exomes 0.00001; gnomAD 0.00001; ESP Exome Variant Server 0.00008.
gnomAD v4.1: 13 of 1,614,100 alleles (0.00081%); highest among the groups gnomAD compares: East Asian, 0.027%; no homozygotes.

Submissions (2):

Labcorp Genetics (formerly Invitae), Labcorp
Classification: Uncertain significance. Last evaluated: 2024-05-06. Review status: criteria provided, single submitter. Criteria: Invitae Variant Classification Sherloc (09022015). Collection method: clinical testing. Allele origin: germline.
Comment: This sequence change replaces alanine, which is neutral and non-polar, with valine, which is neutral and non-polar, at codon 106 of the ACOX2 protein (p.Ala106Val). This variant is present in population databases (rs151304949, gnomAD 0.03%). This variant has not been reported in the literature in individuals affected with ACOX2-related conditions. ClinVar contains an entry for this variant (Variation ID: 2060023). Advanced modeling of protein sequence and biophysical properties (such as structural, functional, and spatial information, amino acid conservation, physicochemical variation, residue mobility, and thermodynamic stability) performed at Invitae indicates that this missense variant is not expected to disrupt ACOX2 protein function with a negative predictive value of 80%. In summary, the available evidence is currently insufficient to determine the role of this variant in disease. Therefore, it has been classified as a Variant of Uncertain Significance.

Ambry Genetics
Classification: Uncertain significance. Last evaluated: 2022-12-05. Review status: criteria provided, single submitter. Criteria: Ambry Variant Classification Scheme 2023. Collection method: clinical testing. Allele origin: germline.